The following is an entry in ClinVar:

ClinVar aggregate classification (germline): Uncertain significance (1 of 4 stars; one submission).

Conditions:
Hereditary cancer-predisposing syndrome. Also called: Hereditary Cancer Syndrome; Hereditary neoplastic syndrome; Tumor predisposition; Neoplastic Syndromes, Hereditary. Identifiers: Orphanet 140162, MedGen C0027672, MeSH D009386, MONDO:0015356.

Submission:

Ambry Genetics
Classification: Uncertain significance for Hereditary cancer-predisposing syndrome. Last evaluated: 2021-04-12. Review status: criteria provided, single submitter. Criteria: Ambry Variant Classification Scheme 2023. Collection method: clinical testing. Allele origin: germline.
Comment: The p.F792L variant (also known as c.2374T>C), located in coding exon 10 of the BLM gene, results from a T to C substitution at nucleotide position 2374. The phenylalanine at codon 792 is replaced by leucine, an amino acid with highly similar properties. This amino acid position is highly conserved in available vertebrate species. In addition, this alteration is predicted to be tolerated by in silico analysis. Since supporting evidence is limited at this time, the clinical significance of this alteration remains unclear.

NM_000057.4(BLM):c.2374T>C (p.Phe792Leu)

Gene: BLM (BLM RecQ like helicase; plus strand). Cytogenetic location: 15q26.1.
Variant type: single nucleotide variant.
Coding change: c.2374T>C on transcript NM_000057.4 (MANE Select); coding-DNA position 2374, T replaced by C.
Protein change: p.Phe792Leu; replaces phenylalanine 792 with leucine.
Molecular consequence: missense variant.
Genome position (GRCh38, 1-based): chr15:90,769,199, T>C. VCF-style: chr15-90769199-T-C. GRCh37 (hg19) VCF-style: chr15-91312429-T-C.
Other names: c.2374T>C, p.Phe792Leu (NM_001287246.2, NM_001287247.2); c.1249T>C, p.Phe417Leu (NM_001287248.2); short protein forms F417L, F792L.
Identifiers: ClinVar variation 1790343 (VCV001790343.2), dbSNP rs982156188, ClinGen allele CA393845160.
Genomic context (GRCh38, chr15:90,769,199, plus strand): 5'-GCAAGTAACAGACTCATTTCTACTCTGGAGAATCTCTATGAGAGGAAGCTCTTGGCACGT[T>C]TTGTTATTGATGAAGCACATTGTGTCAGTCAGGTAAATACTGTTTTTTATATCCGGAAAT-3'
Protein context (NP_000048.1, residues 782-802): NLYERKLLAR[Phe792Leu]VIDEAHCVSQ